The following is an entry in ClinVar:

ClinVar aggregate classification (germline): Likely benign (0 of 4 stars; one submission).

Conditions:
PLXNA2-related disorder. Also called: PLXNA2-related condition.

Submission:

PreventionGenetics, part of Exact Sciences
Classification: Likely benign for PLXNA2-related condition. Last evaluated: 2023-04-12. Review status: no assertion criteria provided. Collection method: clinical testing. Allele origin: germline.
Comment: This variant is classified as likely benign based on ACMG/AMP sequence variant interpretation guidelines (Richards et al. 2015 PMID: 25741868, with internal and published modifications).

NM_025179.4(PLXNA2):c.3684C>T (p.Val1228=)

Gene: PLXNA2 (plexin A2; minus strand). Cytogenetic location: 1q32.2.
Variant type: single nucleotide variant.
Coding change: c.3684C>T on transcript NM_025179.4 (MANE Select); coding-DNA position 3684, C replaced by T.
Protein change: p.Val1228=; no amino-acid change (valine 1228 retained).
Molecular consequence: synonymous variant.
Genome position (GRCh38, 1-based): chr1:208,044,698, G>A on the plus strand (C>T on the coding strand, the complement: PLXNA2 is on the minus strand). VCF-style: chr1-208044698-G-A. GRCh37 (hg19) VCF-style: chr1-208218043-G-A.
Identifiers: ClinVar variation 3356239 (VCV003356239.1).